The following is an entry in ClinVar:

NM_004260.4(RECQL4):c.1274C>T (p.Thr425Ile)

Gene: RECQL4 (RecQ like helicase 4; minus strand). Cytogenetic location: 8q24.3.
Variant type: single nucleotide variant.
Coding change: c.1274C>T on transcript NM_004260.4 (MANE Select); coding-DNA position 1274, C replaced by T.
Protein change: p.Thr425Ile; replaces threonine 425 with isoleucine.
Molecular consequence: missense variant.
Genome position (GRCh38, 1-based): chr8:144,515,442, G>A on the plus strand (C>T on the coding strand, the complement: RECQL4 is on the minus strand). VCF-style: chr8-144515442-G-A. GRCh37 (hg19) VCF-style: chr8-145740826-G-A.
Other names: c.1178C>T, p.Thr393Ile (NM_001413017.1, NM_001413020.1); c.1274C>T, p.Thr425Ile (NM_001413018.1, NM_001413019.1, NM_001413033.1 and 2 more transcripts); c.203C>T, p.Thr68Ile (NM_001413021.1, NM_001413022.1, NM_001413023.1 and 8 more transcripts); c.1145C>T, p.Thr382Ile (NM_001413025.1); c.137C>T, p.Thr46Ile (NM_001413027.1, NM_001413030.1, NM_001413031.1 and 2 more transcripts); c.923C>T, p.Thr308Ile (NM_001413029.1); c.-194C>T (NM_001413043.1); short protein forms T382I, T393I, T425I, T308I, T46I, T68I.
Identifiers: ClinVar variation 2119195 (VCV002119195.4), dbSNP rs1266028485, ClinGen allele CA372685979.
Genomic context (GRCh38, chr8:144,515,442, plus strand): 5'-CTGGGCACCTCAGGTACAGGTTGTGGTGAAGGAACCAGTGGCTCAGGCCCAACAGCATCT[G>A]TGTCTTCCTCACTTGCTGGGGCAGGCAGGAGAGGGTAGAATGGGAGCTCCAGGTCGGGCA-3'
Protein context (NP_004251.4, residues 415-435): QCPRPASEED[Thr425Ile]DAVGPEPLVP

ClinVar aggregate classification (germline): Uncertain significance (1 of 4 stars; one submission).

Conditions:
Baller-Gerold syndrome (BGS). Also called: CRANIOSYNOSTOSIS WITH RADIAL DEFECTS. Identifiers: Orphanet 1225, MedGen C0265308, MONDO:0009039, OMIM 218600.

Submission:

Labcorp Genetics (formerly Invitae), Labcorp
Classification: Uncertain significance for Baller-Gerold syndrome. Last evaluated: 2022-10-05. Review status: criteria provided, single submitter. Criteria: Invitae Variant Classification Sherloc (09022015). Collection method: clinical testing. Allele origin: germline.
Comment: In summary, the available evidence is currently insufficient to determine the role of this variant in disease. Therefore, it has been classified as a Variant of Uncertain Significance. Experimental studies and prediction algorithms are not available or were not evaluated, and the functional significance of this variant is currently unknown. This variant has not been reported in the literature in individuals affected with RECQL4-related conditions. This variant is not present in population databases (gnomAD no frequency). This sequence change replaces threonine, which is neutral and polar, with isoleucine, which is neutral and non-polar, at codon 425 of the RECQL4 protein (p.Thr425Ile).